The following is an entry in ClinVar:

NM_000179.3(MSH6):c.3695T>A (p.Val1232Asp)

Gene: MSH6 (mutS homolog 6; plus strand). Cytogenetic location: 2p16.3.
Variant type: single nucleotide variant.
Coding change: c.3695T>A on transcript NM_000179.3 (MANE Select); coding-DNA position 3695, T replaced by A.
Protein change: p.Val1232Asp; replaces valine 1232 with aspartic acid.
Molecular consequence: missense variant.
Genome position (GRCh38, 1-based): chr2:47,806,252, T>A. VCF-style: chr2-47806252-T-A. GRCh37 (hg19) VCF-style: chr2-48033391-T-A.
Other names: c.3305T>A, p.Val1102Asp (NM_001281492.2); c.2789T>A, p.Val930Asp (NM_001281493.2, NM_001281494.2); short protein forms V1232D, V930D, V1102D.
Identifiers: ClinVar variation 186359 (VCV000186359.10), dbSNP rs786202887, ClinGen allele CA013875.
Genomic context (GRCh38, chr2:47,806,252, plus strand): 5'-TTACTTTAACAGGAAGAGGTACTGCAACATTTGATGGGACGGCAATAGCAAATGCAGTTG[T>A]TAAAGAACTTGCTGAGACTATAAAATGTCGTACATTATTTTCAACTCACTACCATTCATT-3'
Protein context (NP_000170.1, residues 1222-1242): FDGTAIANAV[Val1232Asp]KELAETIKCR

ClinVar aggregate classification (germline): Conflicting classifications of pathogenicity. Review status: criteria provided, conflicting classifications (1 of 4 stars). 2 submissions from 2 submitters: Likely pathogenic (1); Uncertain significance (1). Last evaluated 2026-06-18.

Conditions:
Hereditary nonpolyposis colorectal neoplasms. Identifiers: MedGen C0009405, MeSH D003123.
Hereditary cancer-predisposing syndrome. Also called: Neoplastic Syndromes, Hereditary; Hereditary Cancer Syndrome; Tumor predisposition; Hereditary neoplastic syndrome. Identifiers: Orphanet 140162, MedGen C0027672, MeSH D009386, MONDO:0015356.

Submissions (2):

Ambry Genetics
Classification: Likely pathogenic for Hereditary cancer-predisposing syndrome. Last evaluated: 2026-06-18. Review status: criteria provided, single submitter. Criteria: Ambry Variant Classification Scheme 2023. Collection method: clinical testing. Allele origin: germline.
Comment: The p.V1232D variant (also known as c.3695T>A), located in coding exon 8 of the MSH6 gene, results from a T to A substitution at nucleotide position 3695. The valine at codon 1232 is replaced by aspartic acid, an amino acid with highly dissimilar properties. Based on internal structural analysis, V1232D is deleterious. The variant is moderately destabilizing to the local structure (Warren JJ et al. Mol Cell, 2007 May;26:579-92; Ambry internal data). This amino acid position is highly conserved in available vertebrate species. In addition, this alteration is predicted to be deleterious by in silico analysis. This variant is considered to be rare based on population cohorts in the Genome Aggregation Database (gnomAD). Based on the majority of available evidence to date, this variant is likely to be pathogenic.

Labcorp Genetics (formerly Invitae), Labcorp
Classification: Uncertain significance for Hereditary nonpolyposis colorectal neoplasms. Last evaluated: 2024-09-23. Review status: criteria provided, single submitter. Criteria: Invitae Variant Classification Sherloc (09022015). Collection method: clinical testing. Allele origin: germline.
Comment: This sequence change replaces valine, which is neutral and non-polar, with aspartic acid, which is acidic and polar, at codon 1232 of the MSH6 protein (p.Val1232Asp). This variant is not present in population databases (gnomAD no frequency). This variant has not been reported in the literature in individuals affected with MSH6-related conditions. ClinVar contains an entry for this variant (Variation ID: 186359). Invitae Evidence Modeling of protein sequence and biophysical properties (such as structural, functional, and spatial information, amino acid conservation, physicochemical variation, residue mobility, and thermodynamic stability) has been performed for this missense variant. However, the output from this modeling did not meet the statistical confidence thresholds required to predict the impact of this variant on MSH6 protein function. In summary, the available evidence is currently insufficient to determine the role of this variant in disease. Therefore, it has been classified as a Variant of Uncertain Significance.

Literature cited by the submitters: PubMed 17531815 (cited by Ambry Genetics).